The following is an entry in ClinVar:

NM_013427.3(ARHGAP6):c.589-11184C>T

Gene: ARHGAP6 (Rho GTPase activating protein 6; minus strand). Cytogenetic location: Xp22.2.
Variant type: single nucleotide variant.
Coding change: c.589-11184C>T on transcript NM_013427.3 (MANE Select); 11184 bases into the intron before coding-DNA position 589, C replaced by T.
Molecular consequence: intron variant. On other transcripts: 5 prime UTR variant (1).
Genome position (GRCh38, 1-based): chrX:11,265,891, G>A on the plus strand (C>T on the coding strand, the complement: ARHGAP6 is on the minus strand). VCF-style: chrX-11265891-G-A. GRCh37 (hg19) VCF-style: chrX-11284011-G-A.
Other names: c.-227C>T (NM_013423.3); c.49-11184C>T (NM_001287242.2); c.589-11184C>T (NM_006125.3).
Identifiers: ClinVar variation 2659987 (VCV002659987.24), dbSNP rs777487143, ClinGen allele CA10348378.

ClinVar aggregate classification (germline): Likely benign (1 of 4 stars; one submission).

Allele frequency attached by ClinVar (database versions not stated): TOPMed 0.00003; gnomAD exomes 0.00006; gnomAD 0.00008; ExAC 0.00015.
gnomAD v4.1: 61 of 949,478 alleles (0.0064%); highest among the groups gnomAD compares: Middle Eastern, 0.09%; no homozygotes.

Submission:

CeGaT Center for Human Genetics Tuebingen
Classification: Likely benign. Last evaluated: 2024-02-01. Review status: criteria provided, single submitter. Criteria: CeGaT Center For Human Genetics Tuebingen Variant Classification Criteria Version 2. Collection method: clinical testing. Allele origin: germline. Affected: yes. Observed: 1 variant allele.
Comment: ARHGAP6: BP4, BP7, BS2